The following is an entry in ClinVar:

ClinVar aggregate classification (germline): Uncertain significance. Review status: criteria provided, multiple submitters, no conflicts (2 of 4 stars). 2 submissions from 2 submitters: Uncertain significance (2). Last evaluated 2025-01-07.

Conditions:
Hereditary nonpolyposis colorectal neoplasms. Identifiers: MedGen C0009405, MeSH D003123.
Hereditary cancer-predisposing syndrome. Also called: Tumor predisposition; Hereditary neoplastic syndrome; Hereditary Cancer Syndrome; Neoplastic Syndromes, Hereditary. Identifiers: Orphanet 140162, MedGen C0027672, MeSH D009386, MONDO:0015356.

Allele frequency attached by ClinVar (database versions not stated): gnomAD exomes below 0.00001.
gnomAD v4.1: 1 of 1,614,124 alleles (0.000062%); highest among the groups gnomAD compares: African/African-American, 0.0013%; no homozygotes.

Submissions (2):

Labcorp Genetics (formerly Invitae), Labcorp
Classification: Uncertain significance for Hereditary nonpolyposis colorectal neoplasms. Last evaluated: 2025-01-07. Review status: criteria provided, single submitter. Criteria: Invitae Variant Classification Sherloc (09022015). Collection method: clinical testing. Allele origin: germline.
Comment: This sequence change replaces aspartic acid, which is acidic and polar, with glutamic acid, which is acidic and polar, at codon 934 of the MSH6 protein (p.Asp934Glu). This variant is not present in population databases (gnomAD no frequency). This variant has not been reported in the literature in individuals affected with MSH6-related conditions. ClinVar contains an entry for this variant (Variation ID: 935857). Invitae Evidence Modeling of protein sequence and biophysical properties (such as structural, functional, and spatial information, amino acid conservation, physicochemical variation, residue mobility, and thermodynamic stability) indicates that this missense variant is not expected to disrupt MSH6 protein function with a negative predictive value of 95%. In summary, the available evidence is currently insufficient to determine the role of this variant in disease. Therefore, it has been classified as a Variant of Uncertain Significance.

Ambry Genetics
Classification: Uncertain significance for Hereditary cancer-predisposing syndrome. Last evaluated: 2023-05-26. Review status: criteria provided, single submitter. Criteria: Ambry Variant Classification Scheme 2023. Collection method: clinical testing. Allele origin: germline.
Comment: The p.D934E variant (also known as c.2802C>G), located in coding exon 4 of the MSH6 gene, results from a C to G substitution at nucleotide position 2802. The aspartic acid at codon 934 is replaced by glutamic acid, an amino acid with highly similar properties. This amino acid position is conserved. In addition, this alteration is predicted to be deleterious by in silico analysis. Since supporting evidence is limited at this time, the clinical significance of this alteration remains unclear.

NM_000179.3(MSH6):c.2802C>G (p.Asp934Glu)

Gene: MSH6 (mutS homolog 6; plus strand). Cytogenetic location: 2p16.3.
Variant type: single nucleotide variant.
Coding change: c.2802C>G on transcript NM_000179.3 (MANE Select); coding-DNA position 2802, C replaced by G.
Protein change: p.Asp934Glu; replaces aspartic acid 934 with glutamic acid.
Molecular consequence: missense variant.
Genome position (GRCh38, 1-based): chr2:47,800,785, C>G. VCF-style: chr2-47800785-C-G. GRCh37 (hg19) VCF-style: chr2-48027924-C-G.
Other names: c.2412C>G, p.Asp804Glu (NM_001281492.2); c.1896C>G, p.Asp632Glu (NM_001281493.2, NM_001281494.2); short protein forms D632E, D934E, D804E.
Identifiers: ClinVar variation 935857 (VCV000935857.12), dbSNP rs1669512732, ClinGen allele CA346755588.